The following is an entry in ClinVar:

ClinVar aggregate classification (germline): Uncertain significance (1 of 4 stars; one submission).

Submission:

Labcorp Genetics (formerly Invitae), Labcorp
Classification: Uncertain significance. Last evaluated: 2023-04-20. Review status: criteria provided, single submitter. Criteria: Invitae Variant Classification Sherloc (09022015). Collection method: clinical testing. Allele origin: germline.
Comment: In summary, the available evidence is currently insufficient to determine the role of this variant in disease. Therefore, it has been classified as a Variant of Uncertain Significance. An algorithm developed to predict the effect of missense changes on protein structure and function (PolyPhen-2) suggests that this variant is likely to be tolerated. This variant has not been reported in the literature in individuals affected with TLR7-related conditions. This variant is not present in population databases (gnomAD no frequency). This sequence change replaces asparagine, which is neutral and polar, with lysine, which is basic and polar, at codon 648 of the TLR7 protein (p.Asn648Lys).

NM_016562.4(TLR7):c.1944T>G (p.Asn648Lys)

Gene: TLR7 (toll like receptor 7; plus strand). Cytogenetic location: Xp22.2.
Variant type: single nucleotide variant.
Coding change: c.1944T>G on transcript NM_016562.4 (MANE Select); coding-DNA position 1944, T replaced by G.
Protein change: p.Asn648Lys; replaces asparagine 648 with lysine.
Molecular consequence: missense variant.
Genome position (GRCh38, 1-based): chrX:12,887,452, T>G. VCF-style: chrX-12887452-T-G. GRCh37 (hg19) VCF-style: chrX-12905571-T-G.
Other names: short protein forms N648K.
Identifiers: ClinVar variation 2857899 (VCV002857899.3), dbSNP rs2518438742, ClinGen allele CA412409119.